The following is an entry in ClinVar:

ClinVar aggregate classification (germline): Benign/Likely benign. Review status: criteria provided, multiple submitters, no conflicts (2 of 4 stars). 4 submissions from 4 submitters: Benign (2); Likely benign (2). Last evaluated 2026-01-22.

Conditions:
Encephalopathy due to defective mitochondrial and peroxisomal fission 2 (EMPF2). Identifiers: Orphanet 485421, MedGen C4310726, MONDO:0014905, OMIM 617086.

Allele frequency attached by ClinVar (database versions not stated): gnomAD exomes 0.00080 and 0.00028; ExAC 0.00095; ESP Exome Variant Server 0.00261; gnomAD 0.00265 and 0.00282; TOPMed 0.00319; 1000 Genomes Project 30x 0.00375; 1000 Genomes Project 0.00379.
gnomAD v4.1: 834 of 1,614,152 alleles (0.052%); highest among the groups gnomAD compares: African/African-American, 0.83%; 3 homozygotes.

Submissions (4):

Labcorp Genetics (formerly Invitae), Labcorp
Classification: Benign. Last evaluated: 2026-01-22. Review status: criteria provided, single submitter. Criteria: Invitae Variant Classification Sherloc (09022015). Collection method: clinical testing. Allele origin: germline.

CeGaT Center for Human Genetics Tuebingen
Classification: Likely benign. Last evaluated: 2025-10-01. Review status: criteria provided, single submitter. Criteria: CeGaT Center For Human Genetics Tuebingen Variant Classification Criteria Version 2. Collection method: clinical testing. Allele origin: germline. Affected: yes. Observed: 1 variant allele.
Comment: MFF: BS2

Fulgent Genetics
Classification: Likely benign for Encephalopathy due to defective mitochondrial and peroxisomal fission 2. Last evaluated: 2022-05-17. Review status: criteria provided, single submitter. Criteria: ACMG Guidelines, 2015. Collection method: clinical testing. Allele origin: unknown.

Breakthrough Genomics
Classification: Benign. Review status: criteria provided, single submitter. Criteria: ACMG Guidelines, 2015. Collection method: not provided. Allele origin: germline. Inheritance: Autosomal recessive inheritance. Affected: yes.

NM_001277062.2(MFF):c.92C>T (p.Pro31Leu)

Gene: MFF (mitochondrial fission factor; plus strand). Cytogenetic location: 2q36.3.
Variant type: single nucleotide variant.
Coding change: c.92C>T on transcript NM_001277062.2 (MANE Select); coding-DNA position 92, C replaced by T.
Protein change: p.Pro31Leu; replaces proline 31 with leucine.
Molecular consequence: missense variant. On other transcripts: intron variant (1).
Genome position (GRCh38, 1-based): chr2:227,330,757, C>T. VCF-style: chr2-227330757-C-T. GRCh37 (hg19) VCF-style: chr2-228195473-C-T.
Other names: c.170C>T, p.Pro57Leu (NM_001277061.2, NM_020194.5); c.92C>T, p.Pro31Leu (NM_001277063.2, NM_001277064.2, NM_001277065.2 and 2 more transcripts); c.-35-24C>T (NM_001277067.1); short protein forms P31L, P57L.
Identifiers: ClinVar variation 1577363 (VCV001577363.16), dbSNP rs149692814, ClinGen allele CA2147788.
Genomic context (GRCh38, chr2:227,330,757, plus strand): 5'-TGGAATATACTGAAGGCATTAGTCAGCGAATGAGGGTCCCAGAAAAGTTAAAAGTAGCAC[C>T]GCCAAACGCTGACCTGGAACAAGGATTCCAAGAAGGAGTTCCAAATGCTAGTGTGATAAT-3'
Protein context (NP_001263991.1, residues 21-41): MRVPEKLKVA[Pro31Leu]PNADLEQGFQ